The following is an entry in ClinVar:

NM_001009944.3(PKD1):c.7570G>T (p.Glu2524Ter)

Gene: PKD1 (polycystin 1, transient receptor potential channel interacting; minus strand). Cytogenetic location: 16p13.3.
Variant type: single nucleotide variant.
Coding change: c.7570G>T on transcript NM_001009944.3 (MANE Select); coding-DNA position 7570, G replaced by T.
Protein change: p.Glu2524Ter; replaces glutamic acid 2524 with a stop codon.
Molecular consequence: nonsense.
Genome position (GRCh38, 1-based): chr16:2,106,224, C>A on the plus strand (G>T on the coding strand, the complement: PKD1 is on the minus strand). VCF-style: chr16-2106224-C-A. GRCh37 (hg19) VCF-style: chr16-2156225-C-A.
Other names: c.7570G>T, p.Glu2524Ter (NM_000296.4); short protein forms E2524*.
Identifiers: ClinVar variation 4994001 (VCV004994001.1).
Genomic context (GRCh38, chr16:2,106,224, plus strand): 5'-TGAAACCCGGGGGCAGCACGGCTCCGTAGCTGGAGAGGCTGCCCTTGTAGACACAGAACT[C>A]CTCGCAGTGGCCCTGGCGACAGCGCCGCAGCAGCAGGGCGTACACCAGCGGGGCGCCAGC-3'

ClinVar aggregate classification (germline): Likely pathogenic (1 of 4 stars; one submission).

Conditions:
PKD1-related disorder. Also called: PKD1-related condition.

Submission:

PreventionGenetics, part of Exact Sciences
Classification: Likely pathogenic for PKD1-related condition. Last evaluated: 2026-08-11. Review status: criteria provided, single submitter. Criteria: ACMG Guidelines, 2015. Collection method: clinical testing. Allele origin: germline.
Comment: The PKD1 c.7570G>T variant is predicted to result in premature protein termination (p.Glu2524*). To our knowledge, this variant has not been reported in the literature or in a large population database (gnomAD), indicating this variant is rare. Nonsense variants in PKD1 are expected to be pathogenic. This variant is interpreted as likely pathogenic.